The following is an entry in ClinVar:

NM_007194.4(CHEK2):c.1528dup (p.Gln510fs)

Gene: CHEK2 (checkpoint kinase 2; minus strand). Cytogenetic location: 22q12.1.
Variant type: Duplication.
Coding change: c.1528dup on transcript NM_007194.4 (MANE Select); coding-DNA position 1528, one base duplicated (C; older notation c.1528dupC).
Protein change: p.Gln510fs; shifts the reading frame from glutamine 510.
Molecular consequence: frameshift variant.
Genome position (GRCh38, 1-based): chr22:28,689,149, G duplicated on the plus strand (C on the coding strand, the reverse complement: CHEK2 is on the minus strand); the first of 4 consecutive G bases (chr22:28,689,149-28,689,152); duplicating any one gives the same sequence. VCF-style (leftmost placement, unchanged base first): chr22-28689148-T-TG. GRCh37 (hg19) VCF-style: chr22-29085136-T-TG.
Other names: c.1654dup, p.Gln553Profs (NM_001005735.3); c.862dup, p.Gln289Profs (NM_001257387.3); c.1324dup, p.Gln443Profs (NM_001349956.3); c.1438dup, p.Gln481Profs (NM_145862.3); short protein forms Q289fs, Q443fs, Q481fs, Q510fs, Q553fs.
Identifiers: ClinVar variation 1066685 (VCV001066685.8), dbSNP rs2052240942, ClinGen allele CA2499226047.

ClinVar aggregate classification (germline): Likely pathogenic (1 of 4 stars; one submission).

Conditions:
Familial cancer of breast. Also called: hereditary breast carcinoma; Hereditary breast cancer; BREAST CANCER, FAMILIAL. Identifiers: Orphanet 227535, MedGen C0346153, MONDO:0016419, OMIM 114480. Disease mechanism: loss of function.

Submission:

Labcorp Genetics (formerly Invitae), Labcorp
Classification: Likely pathogenic for Familial cancer of breast. Last evaluated: 2020-06-10. Review status: criteria provided, single submitter. Criteria: Invitae Variant Classification Sherloc (09022015). Collection method: clinical testing. Allele origin: germline.
Comment: In summary, the currently available evidence indicates that the variant is pathogenic, but additional data are needed to prove that conclusively. Therefore, this variant has been classified as Likely Pathogenic. This variant disrupts the C-terminal nuclear localization signal (NLS) domain of the CHEK2 protein. Disruption of the NLS results in the mislocalization of CHEK2 to the cytoplasm (PMID: 18004398, 12909615). In addition, phosphorylation of residue 516 is required for normal CHEK2 activation and function (PMID: 12855706). While functional studies have not been performed to directly test the effect of this variant on CHEK2 protein function, this suggests that disruption of this region of the protein is causative of disease. This variant has not been reported in the literature in individuals with CHEK2-related conditions. This variant is not present in population databases (ExAC no frequency). This sequence change results in a premature translational stop signal in the CHEK2 gene (p.Gln510Profs*9). While this is not anticipated to result in nonsense mediated decay, it is expected to disrupt the last 34 amino acids of the CHEK2 protein.

Literature cited by the submitters: PubMed 18004398; PubMed 12909615; PubMed 12855706.